The following is an entry in ClinVar:

ClinVar aggregate classification (germline): Uncertain significance (1 of 4 stars; one submission).

Conditions:
Parathyroid carcinoma (PRTC). Also called: CDC73-Related Parathyroid Carcinoma; Parathyroid gland carcinoma. Identifiers: Orphanet 143, MedGen C0687150, MONDO:0012004, OMIM 608266, HP:0006780.

Submission:

Labcorp Genetics (formerly Invitae), Labcorp
Classification: Uncertain significance for Parathyroid carcinoma. Last evaluated: 2023-05-25. Review status: criteria provided, single submitter. Criteria: Invitae Variant Classification Sherloc (09022015). Collection method: clinical testing. Allele origin: germline.
Comment: In summary, the available evidence is currently insufficient to determine the role of this variant in disease. Therefore, it has been classified as a Variant of Uncertain Significance. Advanced modeling of protein sequence and biophysical properties (such as structural, functional, and spatial information, amino acid conservation, physicochemical variation, residue mobility, and thermodynamic stability) performed at Invitae indicates that this missense variant is expected to disrupt CDC73 protein function. This variant has not been reported in the literature in individuals affected with CDC73-related conditions. This variant is not present in population databases (gnomAD no frequency). This sequence change replaces alanine, which is neutral and non-polar, with proline, which is neutral and non-polar, at codon 377 of the CDC73 protein (p.Ala377Pro).

NM_024529.5(CDC73):c.1129G>C (p.Ala377Pro)

Gene: CDC73 (cell division cycle 73; plus strand). Cytogenetic location: 1q31.2.
Variant type: single nucleotide variant.
Coding change: c.1129G>C on transcript NM_024529.5 (MANE Select); coding-DNA position 1129, G replaced by C.
Protein change: p.Ala377Pro; replaces alanine 377 with proline.
Molecular consequence: missense variant.
Genome position (GRCh38, 1-based): chr1:193,212,452, G>C. VCF-style: chr1-193212452-G-C. GRCh37 (hg19) VCF-style: chr1-193181582-G-C.
Other names: short protein forms A377P.
Identifiers: ClinVar variation 2717287 (VCV002717287.3), dbSNP rs1677295843, ClinGen allele CA344077639.
Genomic context (GRCh38, chr1:193,212,452, plus strand): 5'-TCTCGAACACCCATTATCATAATTCCTGCAGCTACCACCTCTTTAATAACCATGCTTAAT[G>C]CAAAAGACCTTCTACAGGACCTGAAGTAAGTAATTTATTAAACTATCCTGTACGTAGGAT-3'
Protein context (NP_078805.3, residues 367-387): ATTSLITMLN[Ala377Pro]KDLLQDLKFV